The following is an entry in ClinVar:

NM_018646.6(TRPV6):c.1672G>A (p.Glu558Lys)

Gene: TRPV6 (transient receptor potential cation channel subfamily V member 6; minus strand). Cytogenetic location: 7q34.
Variant type: single nucleotide variant.
Coding change: c.1672G>A on transcript NM_018646.6 (MANE Select); coding-DNA position 1672, G replaced by A.
Protein change: p.Glu558Lys; replaces glutamic acid 558 with lysine.
Molecular consequence: missense variant.
Genome position (GRCh38, 1-based): chr7:142,873,684, C>T on the plus strand (G>A on the coding strand, the complement: TRPV6 is on the minus strand). VCF-style: chr7-142873684-C-T. GRCh37 (hg19) VCF-style: chr7-142571437-C-T.
Other names: short protein forms E558K.
Identifiers: ClinVar variation 2544351 (VCV002544351.3), dbSNP rs776041915, ClinGen allele CA4532428.

ClinVar aggregate classification (germline): Uncertain significance. Review status: criteria provided, multiple submitters, no conflicts (2 of 4 stars). 2 submissions from 2 submitters: Uncertain significance (2). Last evaluated 2025-07-15.

Conditions:
Inborn genetic diseases. Identifiers: MedGen C0950123, MeSH D030342.

Allele frequency attached by ClinVar (database versions not stated): TOPMed 0.00002; gnomAD 0.00003; ExAC 0.00004; gnomAD exomes 0.00010.

Submissions (2):

Labcorp Genetics (formerly Invitae), Labcorp
Classification: Uncertain significance. Last evaluated: 2025-07-15. Review status: criteria provided, single submitter. Criteria: Invitae Variant Classification Sherloc (09022015). Collection method: clinical testing. Allele origin: germline.
Comment: This sequence change replaces glutamic acid, which is acidic and polar, with lysine, which is basic and polar, at codon 558 of the TRPV6 protein (p.Glu558Lys). This variant is present in population databases (rs776041915, gnomAD 0.06%). This missense change has been observed in individual(s) with chronic pancreatitis (PMID: 31930989). ClinVar contains an entry for this variant (Variation ID: 2544351). An algorithm developed to predict the effect of missense changes on protein structure and function outputs the following: PolyPhen-2: "Not Available". The lysine amino acid residue is found in multiple mammalian species, which suggests that this missense change does not adversely affect protein function. In summary, the available evidence is currently insufficient to determine the role of this variant in disease. Therefore, it has been classified as a Variant of Uncertain Significance.

Ambry Genetics
Classification: Uncertain significance for Inborn genetic diseases. Last evaluated: 2023-05-05. Review status: criteria provided, single submitter. Criteria: Ambry Variant Classification Scheme 2023. Collection method: clinical testing. Allele origin: germline.

Literature cited by the submitters: PubMed 31930989 (cited by Labcorp Genetics (formerly Invitae), Labcorp).